The following is an entry in ClinVar:

ClinVar aggregate classification (germline): Pathogenic/Likely pathogenic. Review status: criteria provided, multiple submitters, no conflicts (2 of 4 stars). 2 submissions from 2 submitters: Pathogenic (1); Likely pathogenic (1). Last evaluated 2025-12-06.

Conditions:
Aicardi Goutieres syndrome (AGS). Also called: Encephalopathy, familial infantile, with calcification of basal ganglia and chronic cerebrospinal fluid lymphocytosis. Identifiers: Orphanet 51, MedGen C0393591, MONDO:0018866.
Aicardi-Goutieres syndrome 5. Identifiers: Orphanet 51, MedGen C2749659, MONDO:0013059, OMIM 612952.

Allele frequency attached by ClinVar (database versions not stated): ExAC 0.00001; gnomAD 0.00001; TOPMed 0.00001.

Submissions (2):

Labcorp Genetics (formerly Invitae), Labcorp
Classification: Pathogenic for Aicardi-Goutieres syndrome 5. Last evaluated: 2025-12-06. Review status: criteria provided, single submitter. Criteria: Invitae Variant Classification Sherloc (09022015). Collection method: clinical testing. Allele origin: germline.
Comment: This sequence change creates a premature translational stop signal (p.Arg106*) in the SAMHD1 gene. It is expected to result in an absent or disrupted protein product. Loss-of-function variants in SAMHD1 are known to be pathogenic (PMID: 19525956, 22461318). This variant is present in population databases (rs779028596, gnomAD 0.003%). This variant has not been reported in the literature in individuals affected with SAMHD1-related conditions. ClinVar contains an entry for this variant (Variation ID: 1384819). Algorithms developed to predict the effect of sequence changes on RNA splicing suggest that this variant may disrupt the consensus splice site. For these reasons, this variant has been classified as Pathogenic.

Natera, Inc.
Classification: Likely pathogenic for Aicardi-Goutieres syndrome. Last evaluated: 2024-09-28. Review status: criteria provided, single submitter. Criteria: Natera Variant Classification Schema (03/2026). Collection method: clinical testing. Allele origin: germline.
Comment: The c.316C>T variant in SAMHD1 is a nonsense variant predicted to introduce a stop codon at amino acid 106. This variant is expected to result in nonsense mediated decay, truncation, or a dysfunctional protein product. This variant is rare in the general population with a frequency below the threshold expected for the associated phenotype(s). Given the available evidence, this variant is classified as Likely Pathogenic.

Literature cited by the submitters: PubMed 19525956 (cited by Labcorp Genetics (formerly Invitae), Labcorp); PubMed 22461318 (cited by Labcorp Genetics (formerly Invitae), Labcorp).

NM_015474.4(SAMHD1):c.316C>T (p.Arg106Ter)

Gene: SAMHD1 (SAM and HD domain containing deoxynucleoside triphosphate triphosphohydrolase 1; minus strand). Cytogenetic location: 20q11.23.
Variant type: single nucleotide variant.
Coding change: c.316C>T on transcript NM_015474.4 (MANE Select); coding-DNA position 316, C replaced by T.
Protein change: p.Arg106Ter; replaces arginine 106 with a stop codon.
Molecular consequence: nonsense.
Genome position (GRCh38, 1-based): chr20:36,941,071, G>A on the plus strand (C>T on the coding strand, the complement: SAMHD1 is on the minus strand). VCF-style: chr20-36941071-G-A. GRCh37 (hg19) VCF-style: chr20-35569474-G-A.
Other names: c.316C>T (NM_015474.3); c.316C>T, p.Arg106Ter (NM_001363729.2, NM_001363733.2); short protein forms R106*.
Identifiers: ClinVar variation 1384819 (VCV001384819.7), dbSNP rs779028596, ClinGen allele CA9844768.